The following is an entry in ClinVar:

ClinVar aggregate classification (germline): Uncertain significance (1 of 4 stars; one submission).

Submission:

Labcorp Genetics (formerly Invitae), Labcorp
Classification: Uncertain significance. Last evaluated: 2025-01-23. Review status: criteria provided, single submitter. Criteria: Invitae Variant Classification Sherloc (09022015). Collection method: clinical testing. Allele origin: germline.
Comment: This sequence change replaces isoleucine, which is neutral and non-polar, with asparagine, which is neutral and polar, at codon 238 of the KCNJ11 protein (p.Ile238Asn). This variant is not present in population databases (gnomAD no frequency). This variant has not been reported in the literature in individuals affected with KCNJ11-related conditions. Invitae Evidence Modeling of protein sequence and biophysical properties (such as structural, functional, and spatial information, amino acid conservation, physicochemical variation, residue mobility, and thermodynamic stability) indicates that this missense variant is expected to disrupt KCNJ11 protein function with a positive predictive value of 95%. In summary, the available evidence is currently insufficient to determine the role of this variant in disease. Therefore, it has been classified as a Variant of Uncertain Significance.

NM_000525.4(KCNJ11):c.713T>A (p.Ile238Asn)

Gene: KCNJ11 (potassium inwardly rectifying channel subfamily J member 11; minus strand). Cytogenetic location: 11p15.1.
Variant type: single nucleotide variant.
Coding change: c.713T>A on transcript NM_000525.4 (MANE Select); coding-DNA position 713, T replaced by A.
Protein change: p.Ile238Asn; replaces isoleucine 238 with asparagine.
Molecular consequence: missense variant.
Genome position (GRCh38, 1-based): chr11:17,387,379, A>T on the plus strand (T>A on the coding strand, the complement: KCNJ11 is on the minus strand). VCF-style: chr11-17387379-A-T. GRCh37 (hg19) VCF-style: chr11-17408926-A-T.
Other names: c.452T>A, p.Ile151Asn (NM_001166290.2, NM_001377296.1, NM_001377297.1); short protein forms I151N, I238N.
Identifiers: ClinVar variation 3634162 (VCV003634162.2).